The following is an entry in ClinVar:

ClinVar aggregate classification (germline): Uncertain significance. Review status: criteria provided, single submitter (1 of 4 stars). 2 submissions from 2 submitters: Uncertain significance (1). 1 of the submissions does not count toward it. Last evaluated 2026-08-01.

Conditions:
Polycystic kidney disease. Also called: Polycystic kidney dysplasia; Kidney, Polycystic. Identifiers: MedGen C0022680, MeSH D007690, MONDO:0020642, HP:0000113.

Allele frequency attached by ClinVar (database versions not stated): TOPMed 0.00008; 1000 Genomes Project 30x 0.00016; 1000 Genomes Project 0.00020.
gnomAD v4.1: 94 of 1,610,658 alleles (0.0058%); highest among the groups gnomAD compares: Middle Eastern, 0.045%; no homozygotes.

Submissions (2):

CeGaT Center for Human Genetics Tuebingen
Classification: Uncertain significance. Last evaluated: 2026-08-01. Review status: criteria provided, single submitter. Criteria: CeGaT Center For Human Genetics Tuebingen Variant Classification Criteria Version 2. Collection method: clinical testing. Allele origin: germline. Affected: yes. Observed: 1 variant allele.
Comment: PKD1: PM2

Department of Pathology and Laboratory Medicine, Sinai Health System
Classification: Likely benign for Polycystic Kidney disease. Review status: no assertion criteria provided. Collection method: clinical testing. Allele origin: unknown. Affected: yes. Observed: 1 variant allele. Study: The Canadian Open Genetics Repository (COGR). Not counted in ClinVar's aggregate classification.
Comment: The PKD1 p.Glu1379Val variant was not identified in the literature nor was it identified in the ClinVar, GeneInsight-COGR, ADPKD Mutation Database, and PKD1-LOVD, databases. The variant was identified in dbSNP (ID: rs149210297) as â€šÃ„ÃºNAâ€šÃ„Ã¹; in the LOVD 3.0 database with no relevant information given; in the 1000 Genomes project in 1 of 5000 chromosomes (frequency: 0.0002); in HAPMAP-EAS in 1 of 1008 chromosomes (frequency: 0.001) and in the NHLBI GO Exome Sequencing Project in 11 of 4380 African American alleles. In addition, the variant was identified in control databases in 13 of 244222 chromosomes at a frequency of 0.00005 increasing the likelihood that this may be a low frequency variant in certain populations of origin (Genome Aggregation Consortium Feb 27, 2017). In addition we cannot be certain that data from control databases is specific to PKD1 and not from one of the six PKD1 pseudogenes. The p.Glu1379 residue is conserved across mammals and other organisms, and computational analyses (PolyPhen-2, SIFT, AlignGVGD, BLOSUM, MutationTaster) suggest that the variant may impact the protein; however, this information is not predictive enough to assume pathogenicity. The variant occurs outside of the splicing consensus sequence and in silico or computational prediction software programs (SpliceSiteFinder, MaxEntScan, NNSPLICE, GeneSplicer, HumanSpliceFinder) do not predict a difference in splicing. In summary, based on the above information, the clinical significance of this variant cannot be determined with certainty at this time although we would lean towards a more benign role for this variant. This variant is classified as likely benign.

NM_001009944.3(PKD1):c.4136A>T (p.Glu1379Val)

Gene: PKD1 (polycystin 1, transient receptor potential channel interacting; minus strand). Cytogenetic location: 16p13.3.
Variant type: single nucleotide variant.
Coding change: c.4136A>T on transcript NM_001009944.3 (MANE Select); coding-DNA position 4136, A replaced by T.
Protein change: p.Glu1379Val; replaces glutamic acid 1379 with valine.
Molecular consequence: missense variant.
Genome position (GRCh38, 1-based): chr16:2,111,031, T>A on the plus strand (A>T on the coding strand, the complement: PKD1 is on the minus strand). VCF-style: chr16-2111031-T-A. GRCh37 (hg19) VCF-style: chr16-2161032-T-A.
Other names: c.4136A>T, p.Glu1379Val (NM_000296.4); short protein forms E1379V.
Identifiers: ClinVar variation 997236 (VCV000997236.2), dbSNP rs149210297, ClinGen allele CA7832478.